The following is an entry in ClinVar:

NM_005548.3(KARS1):c.795+3A>C

Gene: KARS1 (lysyl-tRNA synthetase 1; minus strand). Cytogenetic location: 16q23.1.
Variant type: single nucleotide variant.
Coding change: c.795+3A>C on transcript NM_005548.3 (MANE Select); 3 bases into the intron after coding-DNA position 795, A replaced by C.
Molecular consequence: intron variant.
Genome position (GRCh38, 1-based): chr16:75,635,677, T>G on the plus strand (A>C on the coding strand, the complement: KARS1 is on the minus strand). VCF-style: chr16-75635677-T-G. GRCh37 (hg19) VCF-style: chr16-75669575-T-G.
Other names: c.879+3A>C (NM_001130089.2); c.327+3A>C (NM_001378148.1).
Identifiers: ClinVar variation 2416770 (VCV002416770.7), dbSNP rs774252022, ClinGen allele CA8177513.

ClinVar aggregate classification (germline): Uncertain significance. Review status: criteria provided, multiple submitters, no conflicts (2 of 4 stars). 2 submissions from 2 submitters: Uncertain significance (2). Last evaluated 2025-04-18.

Allele frequency attached by ClinVar (database versions not stated): TOPMed 0.00002; gnomAD exomes 0.00003; ExAC 0.00007.
gnomAD v4.1: 19 of 1,613,832 alleles (0.0012%); highest among the groups gnomAD compares: Admixed American, 0.032%; no homozygotes.

Submissions (2):

GeneDx
Classification: Uncertain significance. Last evaluated: 2025-04-18. Review status: criteria provided, single submitter. Criteria: GeneDx Variant Classification Process June 2021. Collection method: clinical testing. Allele origin: germline. Affected: yes.
Comment: Has not been previously published as pathogenic or benign to our knowledge; In silico analysis is inconclusive as to whether the variant alters gene splicing. In the absence of RNA/functional studies, the actual effect of this sequence change is unknown.

Labcorp Genetics (formerly Invitae), Labcorp
Classification: Uncertain significance. Last evaluated: 2023-06-29. Review status: criteria provided, single submitter. Criteria: Invitae Variant Classification Sherloc (09022015). Collection method: clinical testing. Allele origin: germline.
Comment: In summary, the available evidence is currently insufficient to determine the role of this variant in disease. Therefore, it has been classified as a Variant of Uncertain Significance. Variants that disrupt the consensus splice site are a relatively common cause of aberrant splicing (PMID: 17576681, 9536098). Algorithms developed to predict the effect of sequence changes on RNA splicing suggest that this variant may disrupt the consensus splice site. ClinVar contains an entry for this variant (Variation ID: 2416770). This variant has not been reported in the literature in individuals affected with KARS-related conditions. This variant is present in population databases (rs774252022, gnomAD 0.05%). This sequence change falls in intron 7 of the KARS gene. It does not directly change the encoded amino acid sequence of the KARS protein. It affects a nucleotide within the consensus splice site.

Literature cited by the submitters: PubMed 17576681 (cited by Labcorp Genetics (formerly Invitae), Labcorp); PubMed 9536098 (cited by Labcorp Genetics (formerly Invitae), Labcorp).